The following is an entry in ClinVar:

ClinVar aggregate classification (germline): Likely benign. Review status: criteria provided, single submitter (1 of 4 stars). 2 submissions from 2 submitters: Likely benign (1). 1 of the submissions does not count toward it. Last evaluated 2022-03-19.

Conditions:
PAX4-related disorder. Also called: PAX4-related condition.

Allele frequency attached by ClinVar (database versions not stated): TOPMed 0.00001; gnomAD 0.00002; ExAC 0.00006.

Submissions (2):

Labcorp Genetics (formerly Invitae), Labcorp
Classification: Likely benign. Last evaluated: 2022-03-19. Review status: criteria provided, single submitter. Criteria: Invitae Variant Classification Sherloc (09022015). Collection method: clinical testing. Allele origin: germline.

PreventionGenetics, part of Exact Sciences
Classification: Likely benign for PAX4-related condition. Last evaluated: 2021-06-15. Review status: no assertion criteria provided. Collection method: clinical testing. Allele origin: germline. Not counted in ClinVar's aggregate classification.
Comment: This variant is classified as likely benign based on ACMG/AMP sequence variant interpretation guidelines (Richards et al. 2015 PMID: 25741868, with internal and published modifications).

NM_001366110.1(PAX4):c.562+10T>C

Gene: PAX4 (paired box 4; minus strand). Cytogenetic location: 7q32.1.
Variant type: single nucleotide variant.
Coding change: c.562+10T>C on transcript NM_001366110.1 (MANE Select); 10 bases into the intron after coding-DNA position 562, T replaced by C.
Molecular consequence: intron variant.
Genome position (GRCh38, 1-based): chr7:127,613,746, A>G on the plus strand (T>C on the coding strand, the complement: PAX4 is on the minus strand). VCF-style: chr7-127613746-A-G. GRCh37 (hg19) VCF-style: chr7-127253800-A-G.
Other names: NM_006193.2:c.538+10T>C; c.562+10T>C (NM_001366111.1).
Identifiers: ClinVar variation 1957607 (VCV001957607.7), dbSNP rs771108079, ClinGen allele CA4468053.